The following is an entry in ClinVar:

NM_000094.4(COL7A1):c.5304_5307+1del

Gene: COL7A1 (collagen type VII alpha 1 chain; minus strand). Cytogenetic location: 3p21.31.
Variant type: Deletion.
Coding change: c.5304_5307+1del on transcript NM_000094.4 (MANE Select); coding-DNA position 5304 through the canonical splice donor site of the intron after coding-DNA position 5307, 5 bases deleted (AAAGG; older notation c.5304_5307+1delAAAGG).
Molecular consequence: splice donor variant.
Genome position (GRCh38, 1-based): chr3:48,579,368-48,579,372, CCTTT deleted on the plus strand (AAAGG on the coding strand, the reverse complement: COL7A1 is on the minus strand). VCF-style (leftmost placement, unchanged base first): chr3-48579367-ACCTTT-A. GRCh37 (hg19) VCF-style: chr3-48616800-ACCTTT-A.
Identifiers: ClinVar variation 1492815 (VCV001492815.8), dbSNP rs781583687, ClinGen allele CA2379573.

ClinVar aggregate classification (germline): Conflicting classifications of pathogenicity. Review status: criteria provided, conflicting classifications (1 of 4 stars). 3 submissions from 3 submitters: Pathogenic (1); Likely pathogenic (1); Uncertain significance (1). Last evaluated 2025-11-26.

Conditions:
Recessive dystrophic epidermolysis bullosa (RDEB). Also called: Recessive DEB (RDEB); Hallopeau-Siemens Disease; EPIDERMOLYSIS BULLOSA DYSTROPHICA, GENERALIZED SEVERE, AUTOSOMAL RECESSIVE; Epidermolysis Bullosa Distrophica Autosomal Recessive (RDEB); epidermolysis bullosa dystrophica, autosomal recessive; DYSTROPHIC EPIDERMOLYSIS BULLOSA, AUTOSOMAL RECESSIVE. Identifiers: Orphanet 79408, Orphanet 79409, MedGen C0079474, MONDO:0009179, OMIM 226600.
Generalized dominant dystrophic epidermolysis bullosa (DDEB). Also called: DDEB, generalized; DDEB-gen; DYSTROPHIC EPIDERMOLYSIS BULLOSA, AUTOSOMAL DOMINANT; Epidermolysis bullosa dystrophica, autosomal dominant; Dominant DEB (DDEB). Identifiers: Orphanet 231568, MedGen C0432322, MONDO:0007549, OMIM 131750.
Nonsyndromic congenital nail disorder 8. Also called: TOENAIL DYSTROPHY, ISOLATED. Identifiers: MedGen C1843761, MONDO:0011852, OMIM 607523.
Epidermolysis bullosa pruriginosa. Also called: DEB, PRURIGINOSA; DYSTROPHIC EPIDERMOLYSIS BULLOSA PRURIGINOSA. Identifiers: Orphanet 89843, MedGen C1275114, MONDO:0011398, OMIM 604129.
Transient bullous dermolysis of the newborn (TBDN). Also called: DYSTROPHIC EPIDERMOLYSIS BULLOSA, NEONATAL; EPIDERMOLYSIS BULLOSA DYSTROPHICA, NEONATAL FORM. Identifiers: Orphanet 79411, MedGen C1851573, MONDO:0007548, OMIM 131705.
Pretibial dystrophic epidermolysis bullosa. Also called: Pretibial blistering; EPIDERMOLYSIS BULLOSA DYSTROPHICA, PRETIBIAL; Pretibial epidermolysis bullosa. Identifiers: Orphanet 79410, MedGen C0432321, MONDO:0007552, OMIM 131850, HP:0012221.
Dominant dystrophic epidermolysis bullosa with absence of skin. Also called: EPIDERMOLYSIS BULLOSA WITH CONGENITAL LOCALIZED ABSENCE OF SKIN AND DEFORMITY OF NAILS; EPIDERMOLYSIS BULLOSA DYSTROPHICA, BART TYPE. Identifiers: MedGen C0268371, MONDO:0007557, OMIM 132000.

Allele frequency attached by ClinVar (database versions not stated): gnomAD exomes below 0.00001; ExAC 0.00001.

Submissions (3):

Myriad Genetics, Inc.
Classification: Uncertain significance for Recessive dystrophic epidermolysis bullosa. Last evaluated: 2025-11-26. Review status: criteria provided, single submitter. Criteria: Myriad Autosomal Dominant, Autosomal Recessive and X-Linked Classification Criteria (2023). Collection method: clinical testing. Allele origin: unknown.
Comment: NM_000094.3(COL7A1):c.5304_5307+1del5 is a variant in a canonical splice site classified as a variant of uncertain significance in the context of dystrophic epidermolysis bullosa. c.5304_5307+1del5 has not been observed in cases with relevant disease. Relevant functional assessments of this variant are not available in the literature. c.5304_5307+1del5 has been observed in referenced population frequency databases. In summary, there is insufficient evidence to classify NM_000094.3(COL7A1):c.5304_5307+1del5 as pathogenic or benign. Please note: this variant was assessed in the context of healthy population screening.

Fulgent Genetics
Classification: Likely pathogenic for Transient bullous dermolysis of the newborn; Generalized dominant dystrophic epidermolysis bullosa; Pretibial dystrophic epidermolysis bullosa; Dominant dystrophic epidermolysis bullosa with absence of skin; Recessive dystrophic epidermolysis bullosa; Epidermolysis bullosa pruriginosa; Nonsyndromic congenital nail disorder 8. Last evaluated: 2024-04-16. Review status: criteria provided, single submitter. Criteria: ACMG Guidelines, 2015. Collection method: clinical testing. Allele origin: germline.

Labcorp Genetics (formerly Invitae), Labcorp
Classification: Pathogenic. Last evaluated: 2023-01-21. Review status: criteria provided, single submitter. Criteria: Invitae Variant Classification Sherloc (09022015). Collection method: clinical testing. Allele origin: germline.
Comment: For these reasons, this variant has been classified as Pathogenic. This variant disrupts the triple helix domain of COL7A1. Glycine residues within the Gly-Xaa-Yaa repeats of the triple helix domain are required for the structure and stability of fibrillar collagens (PMID: 7695699, 8218237, 19344236), and variants at these glycine residues in COL7A1 are more frequently observed in individuals with disease than in the general population (PMID: 22058051). However, the clinical significance of this observation remains uncertain since only a limited number of affected individuals have been described to date. Algorithms developed to predict the effect of sequence changes on RNA splicing suggest that this variant may disrupt the consensus splice site. ClinVar contains an entry for this variant (Variation ID: 1492815). This variant has not been reported in the literature in individuals affected with COL7A1-related conditions. This variant is present in population databases (rs781583687, gnomAD 0.006%). This variant results in the deletion of part of exon 60 of the COL7A1 gene. It is expected to disrupt splicing. Variants that disrupt the donor or acceptor splice site typically lead to a loss of protein function (PMID: 16199547), and loss-of-function variants in COL7A1 are known to be disease-causing for autosomal recessive dystrophic epidermolysis bullosa (PMID: 16971478). However, certain variants affecting donor or acceptor splice sites in the triple helical domain of COL7A1 are expected to result in in-frame exon skipping and have been reported to cause autosomal dominant dystrophic epidermolysis bullosa (PMID: 31670143).

Literature cited by the submitters: PubMed 7695699 (cited by Labcorp Genetics (formerly Invitae), Labcorp); PubMed 8218237 (cited by Labcorp Genetics (formerly Invitae), Labcorp); PubMed 19344236 (cited by Labcorp Genetics (formerly Invitae), Labcorp); PubMed 22058051 (cited by Labcorp Genetics (formerly Invitae), Labcorp); PubMed 16199547 (cited by Labcorp Genetics (formerly Invitae), Labcorp); PubMed 16971478 (cited by Labcorp Genetics (formerly Invitae), Labcorp); PubMed 31670143 (cited by Labcorp Genetics (formerly Invitae), Labcorp).